The following is an entry in ClinVar:

NM_002202.3(ISL1):c.390A>G (p.Arg130=)

Gene: ISL1 (ISL LIM homeobox 1; plus strand). Cytogenetic location: 5q11.1.
Variant type: single nucleotide variant.
Coding change: c.390A>G on transcript NM_002202.3 (MANE Select); coding-DNA position 390, A replaced by G.
Protein change: p.Arg130=; no amino-acid change (arginine 130 retained).
Molecular consequence: synonymous variant.
Genome position (GRCh38, 1-based): chr5:51,387,661, A>G. VCF-style: chr5-51387661-A-G. GRCh37 (hg19) VCF-style: chr5-50683495-A-G.
Identifiers: ClinVar variation 4986036 (VCV004986036.1).

ClinVar aggregate classification (germline): Likely benign (1 of 4 stars; one submission).

Conditions:
ISL1-related disorder. Also called: ISL1-related condition.

Submission:

PreventionGenetics, part of Exact Sciences
Classification: Likely benign for ISL1-related condition. Last evaluated: 2025-02-05. Review status: criteria provided, single submitter. Criteria: ACMG Guidelines, 2015. Collection method: clinical testing. Allele origin: germline.
Comment: This variant is classified as likely benign based on ACMG/AMP sequence variant interpretation guidelines (Richards et al. 2015 PMID: 25741868, with internal and published modifications).